The following is an entry in ClinVar:

ClinVar aggregate classification (germline): Uncertain significance (1 of 4 stars; one submission).

Conditions:
Familial cold autoinflammatory syndrome 3 (FCAS3). Also called: ANTIBODY DEFICIENCY AND IMMUNE DYSREGULATION, PLCG2-ASSOCIATED; FAMILIAL ATYPICAL COLD URTICARIA. Identifiers: Orphanet 300359, MedGen C3280914, MONDO:0013766, OMIM 614468.

Allele frequency attached by ClinVar (database versions not stated): ExAC 0.00002.
gnomAD v4.1: 7 of 1,577,676 alleles (0.00044%); highest among the groups gnomAD compares: African/African-American, 0.0081%; no homozygotes.

Submission:

Labcorp Genetics (formerly Invitae), Labcorp
Classification: Uncertain significance for Familial cold autoinflammatory syndrome 3. Last evaluated: 2023-03-03. Review status: criteria provided, single submitter. Criteria: Invitae Variant Classification Sherloc (09022015). Collection method: clinical testing. Allele origin: germline.
Comment: In summary, the available evidence is currently insufficient to determine the role of this variant in disease. Therefore, it has been classified as a Variant of Uncertain Significance. An algorithm developed to predict the effect of missense changes on protein structure and function (PolyPhen-2) suggests that this variant is likely to be disruptive. ClinVar contains an entry for this variant (Variation ID: 1378333). This variant has not been reported in the literature in individuals affected with PLCG2-related conditions. The frequency data for this variant in the population databases is considered unreliable, as metrics indicate poor data quality at this position in the gnomAD database. This sequence change replaces glutamic acid, which is acidic and polar, with aspartic acid, which is acidic and polar, at codon 256 of the PLCG2 protein (p.Glu256Asp).

NM_002661.5(PLCG2):c.768G>T (p.Glu256Asp)

Gene: PLCG2 (phospholipase C gamma 2; plus strand). Cytogenetic location: 16q23.3.
Variant type: single nucleotide variant.
Coding change: c.768G>T on transcript NM_002661.5 (MANE Select); coding-DNA position 768, G replaced by T.
Protein change: p.Glu256Asp; replaces glutamic acid 256 with aspartic acid.
Molecular consequence: missense variant.
Genome position (GRCh38, 1-based): chr16:81,889,174, G>T. VCF-style: chr16-81889174-G-T. GRCh37 (hg19) VCF-style: chr16-81922779-G-T.
Other names: short protein forms E256D.
Identifiers: ClinVar variation 1378333 (VCV001378333.6), dbSNP rs745516901, ClinGen allele CA8193450.